The following is an entry in ClinVar:

NM_001453.3(FOXC1):c.22T>C (p.Ser8Pro)

Gene: FOXC1 (forkhead box C1; plus strand). Cytogenetic location: 6p25.3.
Variant type: single nucleotide variant.
Coding change: c.22T>C on transcript NM_001453.3 (MANE Select); coding-DNA position 22, T replaced by C.
Protein change: p.Ser8Pro; replaces serine 8 with proline.
Molecular consequence: missense variant.
Genome position (GRCh38, 1-based): chr6:1,610,467, T>C. VCF-style: chr6-1610467-T-C. GRCh37 (hg19) VCF-style: chr6-1610702-T-C.
Other names: short protein forms S8P.
Identifiers: ClinVar variation 4991203 (VCV004991203.1).

ClinVar aggregate classification (germline): Uncertain significance (1 of 4 stars; one submission).

Conditions:
FOXC1-related disorder. Also called: FOXC1-related condition.

Submission:

PreventionGenetics, part of Exact Sciences
Classification: Uncertain significance for FOXC1-related condition. Last evaluated: 2026-07-08. Review status: criteria provided, single submitter. Criteria: ACMG Guidelines, 2015. Collection method: clinical testing. Allele origin: germline.
Comment: The FOXC1 c.22T>C variant is predicted to result in the amino acid substitution p.Ser8Pro. To our knowledge, this variant has not been reported in the literature or in a large population database (gnomAD), indicating this variant is rare. At this time, the clinical significance of this variant is uncertain due to the absence of conclusive functional and genetic evidence.